The following is an entry in ClinVar:

NM_005720.4(ARPC1B):c.932C>G (p.Ser311Cys)

Gene: ARPC1B (actin related protein 2/3 complex subunit 1B; plus strand). Cytogenetic location: 7q22.1.
Variant type: single nucleotide variant.
Coding change: c.932C>G on transcript NM_005720.4 (MANE Select); coding-DNA position 932, C replaced by G.
Protein change: p.Ser311Cys; replaces serine 311 with cysteine.
Molecular consequence: missense variant.
Genome position (GRCh38, 1-based): chr7:99,392,819, C>G. VCF-style: chr7-99392819-C-G. GRCh37 (hg19) VCF-style: chr7-98990442-C-G.
Other names: c.932C>G, p.Ser311Cys (LRG_1188t1); short protein forms S311C.
Identifiers: ClinVar variation 636660 (VCV000636660.11), dbSNP rs200946215, ClinGen allele CA4364158.
Genomic context (GRCh38, chr7:99,392,819, plus strand): 5'-GCTCGCAGCGTGGCTTGACGGCCCGCGAGCGCTTCCAGAACCTGGACAAGAAGGCGAGCT[C>G]CGAGGGTGGCACGGCTGCGGGCGCGGGCCTAGACTCGCTGCACAAGAACAGCGTCAGGTG-3'
Protein context (NP_005711.1, residues 301-321): RFQNLDKKAS[Ser311Cys]EGGTAAGAGL

ClinVar aggregate classification (germline): Uncertain significance. Review status: criteria provided, multiple submitters, no conflicts (2 of 4 stars). 4 submissions from 4 submitters: Uncertain significance (4). Last evaluated 2025-10-01.

Conditions:
Platelet abnormalities with eosinophilia and immune-mediated inflammatory disease. Also called: IMMUNODEFICIENCY 71 WITH INFLAMMATORY DISEASE AND CONGENITAL THROMBOCYTOPENIA. Identifiers: MedGen C4540232, MONDO:0060583, OMIM 617718.

Allele frequency attached by ClinVar (database versions not stated): TOPMed 0.00009; ExAC 0.00014; gnomAD exomes 0.00014; gnomAD 0.00015 and 0.00016; 1000 Genomes Project 30x 0.00016; ESP Exome Variant Server 0.00017.

Submissions (4):

CeGaT Center for Human Genetics Tuebingen
Classification: Uncertain significance. Last evaluated: 2025-10-01. Review status: criteria provided, single submitter. Criteria: CeGaT Center For Human Genetics Tuebingen Variant Classification Criteria Version 2. Collection method: clinical testing. Allele origin: germline. Affected: yes. Observed: 1 variant allele.

Blueprint Genetics
Classification: Uncertain significance. Last evaluated: 2024-10-17. Review status: criteria provided, single submitter. Criteria: ACMG Guidelines, 2015. Collection method: clinical testing. Allele origin: germline.

Labcorp Genetics (formerly Invitae), Labcorp
Classification: Uncertain significance. Last evaluated: 2022-08-12. Review status: criteria provided, single submitter. Criteria: Invitae Variant Classification Sherloc (09022015). Collection method: clinical testing. Allele origin: germline.
Comment: This sequence change replaces serine, which is neutral and polar, with cysteine, which is neutral and slightly polar, at codon 311 of the ARPC1B protein (p.Ser311Cys). This variant is present in population databases (rs200946215, gnomAD 0.06%). This variant has not been reported in the literature in individuals affected with ARPC1B-related conditions. ClinVar contains an entry for this variant (Variation ID: 636660). Algorithms developed to predict the effect of missense changes on protein structure and function are either unavailable or do not agree on the potential impact of this missense change (SIFT: "Deleterious"; PolyPhen-2: "Possibly Damaging"; Align-GVGD: "Class C0"). In summary, the available evidence is currently insufficient to determine the role of this variant in disease. Therefore, it has been classified as a Variant of Uncertain Significance.

New York Genome Center
Classification: Uncertain significance for Platelet abnormalities with eosinophilia and immune-mediated inflammatory disease. Last evaluated: 2020-07-17. Review status: criteria provided, single submitter. Criteria: NYGC Assertion Criteria 2020. Collection method: clinical testing. Allele origin: germline. Observed: 1 heterozygote. Study: CSER-NYCKidSeq.